The following is an entry in ClinVar:

ClinVar aggregate classification (germline): Uncertain significance. Review status: criteria provided, multiple submitters, no conflicts (2 of 4 stars). 2 submissions from 2 submitters: Uncertain significance (2). Last evaluated 2026-03-21.

Conditions:
TRMT5-related disorder. Also called: TRMT5-related condition.

Allele frequency attached by ClinVar (database versions not stated): gnomAD exomes below 0.00001; TOPMed below 0.00001; ExAC 0.00001.
gnomAD v4.1: 2 of 1,614,158 alleles (0.00012%); highest among the groups gnomAD compares: East Asian, 0.0022%; no homozygotes.

Submissions (2):

PreventionGenetics, part of Exact Sciences
Classification: Uncertain significance for TRMT5-related condition. Last evaluated: 2026-03-21. Review status: criteria provided, single submitter. Criteria: ACMG Guidelines, 2015. Collection method: clinical testing. Allele origin: germline.
Comment: The TRMT5 c.191A>G variant is predicted to result in the amino acid substitution p.Glu64Gly. To our knowledge, this variant has not been reported in the literature. This variant is reported in 0.0054% of alleles in individuals of East Asian descent in gnomAD. At this time, the clinical significance of this variant is uncertain due to the absence of conclusive functional and genetic evidence.

Labcorp Genetics (formerly Invitae), Labcorp
Classification: Uncertain significance. Last evaluated: 2024-02-24. Review status: criteria provided, single submitter. Criteria: Invitae Variant Classification Sherloc (09022015). Collection method: clinical testing. Allele origin: germline.
Comment: This sequence change replaces glutamic acid, which is acidic and polar, with glycine, which is neutral and non-polar, at codon 64 of the TRMT5 protein (p.Glu64Gly). This variant is present in population databases (rs759530462, gnomAD 0.006%). This variant has not been reported in the literature in individuals affected with TRMT5-related conditions. ClinVar contains an entry for this variant (Variation ID: 1370971). An algorithm developed to predict the effect of missense changes on protein structure and function (PolyPhen-2) suggests that this variant is likely to be tolerated. In summary, the available evidence is currently insufficient to determine the role of this variant in disease. Therefore, it has been classified as a Variant of Uncertain Significance.

NM_020810.3(TRMT5):c.191A>G (p.Glu64Gly)

Gene: TRMT5 (tRNA methyltransferase 5; minus strand). Cytogenetic location: 14q23.1.
Variant type: single nucleotide variant.
Coding change: c.191A>G on transcript NM_020810.3 (MANE Select); coding-DNA position 191, A replaced by G.
Protein change: p.Glu64Gly; replaces glutamic acid 64 with glycine.
Molecular consequence: missense variant.
Genome position (GRCh38, 1-based): chr14:60,979,707, T>C on the plus strand (A>G on the coding strand, the complement: TRMT5 is on the minus strand). VCF-style: chr14-60979707-T-C. GRCh37 (hg19) VCF-style: chr14-61446425-T-C.
Other names: c.275A>G, p.Glu92Gly (NM_001350253.1); c.272A>G, p.Glu91Gly (NM_001350254.1); short protein forms E64G, E91G, E92G.
Identifiers: ClinVar variation 1370971 (VCV001370971.9), dbSNP rs759530462, ClinGen allele CA7213966.
Genomic context (GRCh38, chr14:60,979,707, plus strand): 5'-TTTGTCATGCCTCGGACATCAGAAGGTGGTGAAAACAATTCAGTCTCTCTCTCATGTGTT[T>C]CTGTTTCTGGCATGGTTGAGAATCTTTTTCTTTGACCCAATAAGAAAATACCAGGTGCTT-3'
Protein context (NP_065861.3, residues 54-74): RKRFSTMPET[Glu64Gly]THERETELFS